The following is an entry in ClinVar:

NM_000187.4(HGD):c.449C>T (p.Ser150Leu)

Gene: HGD (homogentisate 1,2-dioxygenase; minus strand). Cytogenetic location: 3q13.33.
Variant type: single nucleotide variant.
Coding change: c.449C>T on transcript NM_000187.4 (MANE Select); coding-DNA position 449, C replaced by T.
Protein change: p.Ser150Leu; replaces serine 150 with leucine.
Molecular consequence: missense variant.
Genome position (GRCh38, 1-based): chr3:120,647,897, G>A on the plus strand (C>T on the coding strand, the complement: HGD is on the minus strand). VCF-style: chr3-120647897-G-A. GRCh37 (hg19) VCF-style: chr3-120366744-G-A.
Other names: short protein forms S150L.
Identifiers: ClinVar variation 2626840 (VCV002626840.1), dbSNP rs541367417, ClinGen allele CA81787664.

ClinVar aggregate classification (germline): Pathogenic (0 of 4 stars; one submission).

Conditions:
Alkaptonuria (AKU). Also called: Alkaptonuric ochronosis; Homogentisic acidura; Alcaptonuria; HOMOGENTISIC ACID OXIDASE DEFICIENCY. Identifiers: Orphanet 56, MedGen C0002066, MONDO:0008753, OMIM 203500.

Allele frequency attached by ClinVar (database versions not stated): gnomAD exomes below 0.00001.
gnomAD v4.1: 1 of 1,611,894 alleles (0.000062%); no homozygotes.

Submission:

Department Of Human Genetics, Institute Of Clinical And Translational Research, Biomedical Research Center, Slovak Academy Of Sciences
Classification: Pathogenic for Alkaptonuria. Review status: no assertion criteria provided. Collection method: research. Allele origin: germline. Inheritance: Autosomal recessive inheritance. Affected: yes. Observed: 1 variant allele.
Comment: The variant was originally described in AKU patient in PMID:30737480. It has been submitted to the HGD gene mutation database (DB-ID: AKU_00181).

Literature cited by the submitters: PubMed 30737480.